The following is an entry in ClinVar:

NM_002801.4(PSMB10):c.56+1G>A

Gene: PSMB10 (proteasome 20S subunit beta 10; minus strand). Cytogenetic location: 16q22.1.
Variant type: single nucleotide variant.
Coding change: c.56+1G>A on transcript NM_002801.4 (MANE Select); the canonical splice donor site of the intron after coding-DNA position 56, G replaced by A.
Molecular consequence: splice donor variant.
Genome position (GRCh38, 1-based): chr16:67,936,693, C>T on the plus strand (G>A on the coding strand, the complement: PSMB10 is on the minus strand). VCF-style: chr16-67936693-C-T. GRCh37 (hg19) VCF-style: chr16-67970596-C-T.
Other names: NC_000016.9:g.67970596C>T.
Identifiers: ClinVar variation 3780496 (VCV003780496.7).

ClinVar aggregate classification (germline): Conflicting classifications of pathogenicity. Review status: criteria provided, conflicting classifications (1 of 4 stars). 7 submissions from 7 submitters: Likely pathogenic (4); Uncertain significance (3). Last evaluated 2026-05-11.

Conditions:
Proteasome-associated autoinflammatory syndrome 5. Identifiers: MedGen C5543027, MONDO:0030924, OMIM 619175.
Autoinflammatory syndrome. Identifiers: Orphanet 93665, MedGen C3890737, MONDO:0019751.

gnomAD v4.1: 587 of 1,554,316 alleles (0.038%); highest among the groups gnomAD compares: Middle Eastern, 0.12%; 1 homozygote.

Submissions (9):

Department of Molecular Biology and Genetics, Acibadem University
Classification: Likely pathogenic for Autoinflammatory syndrome. Last evaluated: 2026-05-11. Review status: criteria provided, single submitter. Criteria: ACGS 2024 UK Practice Guidelines For Variant Classification (1). Collection method: research. Allele origin: germline. Inheritance: Autosomal dominant inheritance. Affected: yes. Observed: 4 variant alleles, 4 heterozygotes. Clinical features observed: Fever (HP:0001945), Abdominal pain (HP:0002027), Recurrent upper respiratory tract infections (HP:0002788), Skin rash (HP:0000988), Vasculitis (HP:0002633), Oral cavity telangiectasia (HP:0000228), Proteinuria (HP:0000093).
Comment: PSMB10 NM_002801.4:c.56+1G>A affects the canonical +1 splice donor site of intron 1 and is predicted to disrupt normal splicing. The variant segregated heterozygously with an autoinflammatory phenotype in four affected members of a two-generation family and was absent from the unaffected mother. Patient-derived PBMCs showed reduced full-length PSMB10 transcript levels, supporting aberrant splicing and predicted loss of function. Based on splice-site impact, rarity, segregation, transcript-level evidence, and consistency with the PSMB10-associated autoinflammatory/PRAAS5 spectrum, the variant is classified as likely pathogenic.

Women's Health and Genetics/Laboratory Corporation of America, LabCorp
Classification: Uncertain significance. Last evaluated: 2025-12-23. Review status: criteria provided, single submitter. Criteria: LabCorp Variant Classification Summary - May 2015. Collection method: clinical testing. Allele origin: germline.
Comment: Variant summary: PSMB10 c.56+1G>A is located in a canonical splice-site and is predicted to affect mRNA splicing resulting in a significantly altered protein due to either exon skipping, shortening, or inclusion of intronic material. Variants that disrupt the consensus splice site are a relatively common cause of aberrant splicing, however current evidence is not sufficient to establish loss of function as a mechanism for disease. The variant allele was found at a frequency of 0.00065 in 157928 control chromosomes (gnomAD). This frequency is not significantly higher than estimated for disease-causing variants in PSMB10, allowing no conclusion about variant significance. c.56+1G>A has been observed in one individual affected with heart failure (Glcklhofer_2018). These reports do not provide unequivocal conclusions about association of the variant with Proteasome-associated autoinflammatory syndrome 5. To our knowledge, no experimental evidence demonstrating an impact on protein function has been reported. The following publication have been ascertained in the context of this evaluation (PMID: 29947763). ClinVar contains an entry for this variant (Variation ID: 3780496). Based on the evidence outlined above, the variant was classified as uncertain significance.

Department of Molecular Genetics, Istishari Arab Hospital
Classification: Likely pathogenic for Proteasome-associated autoinflammatory syndrome 5. Last evaluated: 2025-11-04. Review status: criteria provided, single submitter. Criteria: ACMG Guidelines, 2015. Collection method: clinical testing. Allele origin: germline. Inheritance: Autosomal recessive inheritance. Affected: yes.
Comment: The PSMB10 variant c.56+1G>A affects the canonical splice site and is predicted to disrupt normal protein function. To the best of our knowledge, this variant has not been previously reported in the literature. It is observed one time in the homozygous state in the gnomAD v4.1.0 dataset. However, according to variant classification guidelines (e.g., ACGS guidelines 2024), the presence of one homozygous presumed unaffected case is not enough evidence to apply the BS2 ACMG/AMP criterion (observed in healthy individuals inconsistent with disease penetrance). Therefore, this variant is classified as likely pathogenic based on ACMG/AMP/ClinGen SVI guidelines.

Mayo Clinic Laboratories, Mayo Clinic
Classification: Uncertain significance. Last evaluated: 2025-10-01. Review status: criteria provided, single submitter. Criteria: ACMG Guidelines, 2015. Collection method: clinical testing. Allele origin: germline. Observed: 1 variant allele.

First Genomix Gene Laboratory, Genetic Diagnostics Department
Classification: Likely pathogenic for Proteasome-associated autoinflammatory syndrome 5. Last evaluated: 2025-01-16. Review status: criteria provided, single submitter. Criteria: ACMG Guidelines, 2015. Collection method: clinical testing. Allele origin: germline. Inheritance: Autosomal recessive inheritance. Affected: no. Observed: 1 variant allele.

Department of Pathology and Laboratory Medicine, Sinai Health System
Classification: Uncertain significance for proteasome-associated autoinflammatory syndrome 5. Last evaluated: 2023-04-23. Review status: criteria provided, single submitter. Criteria: ACMG Guidelines, 2015. Collection method: research. Allele origin: germline.

ARUP Laboratories, Molecular Genetics and Genomics, ARUP Laboratories
Classification: Likely pathogenic. Review status: criteria provided, single submitter. Criteria: ARUP Molecular Germline Variant Investigation Process 2024. Collection method: clinical testing. Allele origin: germline.
Comment: The PSMB10 c.56+1G>A variant (rs201451622), to our knowledge, has not been reported in the medical literature or gene specific databases in association with a PSMB10-associated disorder. This variant is found in the general population with an overall allele frequency of 0.000565 (107/189252 alleles) in the Genome Aggregation Database (v2.1.1). This variant disrupts the canonical splice donor site of intron 1, which is likely to negatively impact gene function. Other loss-of-function variants have been reported in autosomal recessive forms of PSMB10-associated disease (Papendorf 2023). Based on available information, this variant is considered to be likely pathogenic.

Dr. Peter K. Rogan Lab, Western University
No classification provided (evidence only). Condition: Hepatocellular carcinoma. Review status: no classification provided. Collection method: in vitro. Allele origin: not applicable. Functional consequence: retained intron. Not counted in ClinVar's aggregate classification.

Dr. Peter K. Rogan Lab, Western University
No classification provided (evidence only). Condition: Hepatocellular carcinoma. Review status: no classification provided. Collection method: in vitro. Allele origin: not applicable. Functional consequence: retained intron. Not counted in ClinVar's aggregate classification.

Literature cited by the submitters: PubMed 31783057 (cited by Department of Molecular Biology and Genetics, Acibadem University and Mayo Clinic Laboratories, Mayo Clinic); PubMed 29947763 (cited by Women's Health and Genetics/Laboratory Corporation of America, LabCorp and Mayo Clinic Laboratories, Mayo Clinic); PubMed 37600812 (cited by Mayo Clinic Laboratories, Mayo Clinic); PubMed 7499235 (cited by Mayo Clinic Laboratories, Mayo Clinic).